The following is an entry in ClinVar:

NM_015215.4(CAMTA1):c.3127G>A (p.Glu1043Lys)

Gene: CAMTA1 (calmodulin binding transcription activator 1; plus strand). Cytogenetic location: 1p36.23.
Variant type: single nucleotide variant.
Coding change: c.3127G>A on transcript NM_015215.4 (MANE Select); coding-DNA position 3127, G replaced by A.
Protein change: p.Glu1043Lys; replaces glutamic acid 1043 with lysine.
Molecular consequence: missense variant.
Genome position (GRCh38, 1-based): chr1:7,736,404, G>A. VCF-style: chr1-7736404-G-A. GRCh37 (hg19) VCF-style: chr1-7796464-G-A.
Other names: c.199G>A, p.Glu67Lys (NM_001349614.1, NM_001349615.2, NM_001349616.2 and 10 more transcripts); c.3127G>A (NM_015215.3, NM_015215.2); c.3037G>A, p.Glu1013Lys (NM_001349608.2, NM_001349612.2); c.3127G>A, p.Glu1043Lys (NM_001349609.2, NM_001349610.2, NM_001410737.1); c.256G>A, p.Glu86Lys (NM_001349613.1); c.3055G>A, p.Glu1019Lys (NM_001410738.1); short protein forms E1013K, E1019K, E1043K, E67K, E86K.
Identifiers: ClinVar variation 2638138 (VCV002638138.26), dbSNP rs376194706, ClinGen allele CA566845.

ClinVar aggregate classification (germline): Conflicting classifications of pathogenicity. Review status: criteria provided, conflicting classifications (1 of 4 stars). 3 submissions from 3 submitters: Uncertain significance (1); Likely benign (2). Last evaluated 2025-08-13.

Conditions:
CAMTA1-related disorder. Also called: CAMTA1-related condition.
Inborn genetic diseases. Identifiers: MedGen C0950123, MeSH D030342.

Allele frequency attached by ClinVar (database versions not stated): TOPMed 0.00004; gnomAD 0.00007; ExAC 0.00008; gnomAD exomes 0.00014; ESP Exome Variant Server 0.00015.
gnomAD v4.1: 212 of 1,613,960 alleles (0.013%); highest among the groups gnomAD compares: Non-Finnish European, 0.017%; no homozygotes.

Submissions (3):

PreventionGenetics, part of Exact Sciences
Classification: Likely benign for CAMTA1-related condition. Last evaluated: 2025-08-13. Review status: criteria provided, single submitter. Criteria: ACMG Guidelines, 2015. Collection method: clinical testing. Allele origin: germline.
Comment: This variant is classified as likely benign based on ACMG/AMP sequence variant interpretation guidelines (Richards et al. 2015 PMID: 25741868, with internal and published modifications).

Ambry Genetics
Classification: Likely benign for Inborn genetic diseases. Last evaluated: 2025-07-31. Review status: criteria provided, single submitter. Criteria: Ambry Variant Classification Scheme 2023. Collection method: clinical testing. Allele origin: germline.

CeGaT Center for Human Genetics Tuebingen
Classification: Uncertain significance. Last evaluated: 2023-03-01. Review status: criteria provided, single submitter. Criteria: CeGaT Center For Human Genetics Tuebingen Variant Classification Criteria Version 2. Collection method: clinical testing. Allele origin: germline. Affected: yes. Observed: 1 variant allele.
Comment: CAMTA1: PP2